The following is an entry in ClinVar:

NM_024301.5(FKRP):c.470C>G (p.Ala157Gly)

Gene: FKRP (fukutin related protein; plus strand). Cytogenetic location: 19q13.32.
Variant type: single nucleotide variant.
Coding change: c.470C>G on transcript NM_024301.5 (MANE Select); coding-DNA position 470, C replaced by G.
Protein change: p.Ala157Gly; replaces alanine 157 with glycine.
Molecular consequence: missense variant.
Genome position (GRCh38, 1-based): chr19:46,755,920, C>G. VCF-style: chr19-46755920-C-G. GRCh37 (hg19) VCF-style: chr19-47259177-C-G.
Other names: c.470C>G, p.Ala157Gly (NM_001039885.3); c.470C>G (NM_024301.4); short protein forms A157G.
Identifiers: ClinVar variation 1416673 (VCV001416673.7), dbSNP rs2122616000, ClinGen allele CA406495390.

ClinVar aggregate classification (germline): Uncertain significance. Review status: criteria provided, single submitter (1 of 4 stars). 2 submissions from 2 submitters: Uncertain significance (1). 1 of the submissions does not count toward it. Last evaluated 2022-07-03.

Conditions:
Autosomal recessive limb-girdle muscular dystrophy type 2I. Also called: MUSCULAR DYSTROPHY-DYSTROGLYCANOPATHY (LIMB-GIRDLE), TYPE C, 5; MUSCULAR DYSTROPHY-DYSTROGLYCANOPATHY, LIMB-GIRDLE, FRKP-RELATED; MUSCULAR DYSTROPHY, LIMB-GIRDLE, TYPE 2I. Identifiers: Orphanet 34515, MedGen C1846672, MONDO:0011787, OMIM 607155.
Walker-Warburg congenital muscular dystrophy. Also called: Muscular dystrophy-dystroglycanopathy, type A; Walker-Warburg syndrome. Identifiers: Orphanet 899, MedGen C0265221, MONDO:0000171.

Submissions (2):

Labcorp Genetics (formerly Invitae), Labcorp
Classification: Uncertain significance for Walker-Warburg congenital muscular dystrophy. Last evaluated: 2022-07-03. Review status: criteria provided, single submitter. Criteria: Invitae Variant Classification Sherloc (09022015). Collection method: clinical testing. Allele origin: germline.
Comment: In summary, the available evidence is currently insufficient to determine the role of this variant in disease. Therefore, it has been classified as a Variant of Uncertain Significance. Algorithms developed to predict the effect of missense changes on protein structure and function are either unavailable or do not agree on the potential impact of this missense change (SIFT: "Tolerated"; PolyPhen-2: "Probably Damaging"; Align-GVGD: "Class C0"). ClinVar contains an entry for this variant (Variation ID: 1416673). This variant has not been reported in the literature in individuals affected with FKRP-related conditions. This variant is not present in population databases (gnomAD no frequency). This sequence change replaces alanine, which is neutral and non-polar, with glycine, which is neutral and non-polar, at codon 157 of the FKRP protein (p.Ala157Gly).

Natera, Inc.
Classification: Uncertain significance for Limb-girdle muscular dystrophy type 2I. Last evaluated: 2025-04-20. Review status: no assertion criteria provided. Collection method: clinical testing. Allele origin: germline. Not counted in ClinVar's aggregate classification.